The following is an entry in ClinVar:

ClinVar aggregate classification (germline): Conflicting classifications of pathogenicity. Review status: criteria provided, conflicting classifications (1 of 4 stars). 2 submissions from 2 submitters: Uncertain significance (1); Likely benign (1). Last evaluated 2023-06-06.

Conditions:
Townes syndrome (TBS). Also called: Townes-Brocks syndrome. Identifiers: Orphanet 857, MedGen C0265246, MeSH C536974, MONDO:0007142.

Allele frequency attached by ClinVar (database versions not stated): gnomAD 0.00001; TOPMed 0.00001.

Submissions (2):

Labcorp Genetics (formerly Invitae), Labcorp
Classification: Uncertain significance for Townes syndrome. Last evaluated: 2023-06-06. Review status: criteria provided, single submitter. Criteria: Invitae Variant Classification Sherloc (09022015). Collection method: clinical testing. Allele origin: germline.
Comment: In summary, the available evidence is currently insufficient to determine the role of this variant in disease. Therefore, it has been classified as a Variant of Uncertain Significance. Advanced modeling of protein sequence and biophysical properties (such as structural, functional, and spatial information, amino acid conservation, physicochemical variation, residue mobility, and thermodynamic stability) performed at Invitae indicates that this missense variant is not expected to disrupt SALL1 protein function. This variant has not been reported in the literature in individuals affected with SALL1-related conditions. This variant is present in population databases (rs749947651, gnomAD 0.02%). This sequence change replaces serine, which is neutral and polar, with leucine, which is neutral and non-polar, at codon 861 of the SALL1 protein (p.Ser861Leu).

Blueprint Genetics
Classification: Likely benign. Last evaluated: 2021-05-19. Review status: criteria provided, single submitter. Criteria: ACMG Guidelines, 2015. Collection method: clinical testing. Allele origin: germline.

NM_002968.3(SALL1):c.2582C>T (p.Ser861Leu)

Gene: SALL1 (spalt like transcription factor 1; minus strand). Cytogenetic location: 16q12.1.
Variant type: single nucleotide variant.
Coding change: c.2582C>T on transcript NM_002968.3 (MANE Select); coding-DNA position 2582, C replaced by T.
Protein change: p.Ser861Leu; replaces serine 861 with leucine.
Molecular consequence: missense variant.
Genome position (GRCh38, 1-based): chr16:51,139,640, G>A on the plus strand (C>T on the coding strand, the complement: SALL1 is on the minus strand). VCF-style: chr16-51139640-G-A. GRCh37 (hg19) VCF-style: chr16-51173551-G-A.
Other names: c.2291C>T, p.Ser764Leu (NM_001127892.2); short protein forms S764L, S861L.
Identifiers: ClinVar variation 2701207 (VCV002701207.4), dbSNP rs749947651, ClinGen allele CA8053073.